The following is an entry in ClinVar:

ClinVar aggregate classification (germline): Likely pathogenic (1 of 4 stars; one submission).

Conditions:
Autosomal recessive congenital ichthyosis 5 (ARCI5). Also called: ICHTHYOSIS CONGENITA III; Ichthyosis, nonlamellar and nonerythrodermic, congenital, autosomal recessive. Identifiers: Orphanet 313, MedGen C1858133, MONDO:0011485, OMIM 604777.

Submission:

Human Genetics Section, Sidra Medicine
Classification: Likely pathogenic for Autosomal recessive congenital ichthyosis 5. Last evaluated: 2024-11-01. Review status: criteria provided, single submitter. Criteria: ACMG Guidelines, 2015. Collection method: research. Allele origin: germline. Affected: yes. Observed: 1 variant allele.
Comment: This variant is not present in population databases (gnomAD no frequency). Frameshift variant predicted to result in protein truncation or nonsense mediated decay in a gene for which loss-of-function is a known mechanism of disease.

NM_173483.4(CYP4F22):c.922dup (p.Val308fs)

Gene: CYP4F22 (cytochrome P450 family 4 subfamily F member 22; plus strand). Cytogenetic location: 19p13.12.
Variant type: Duplication.
Coding change: c.922dup on transcript NM_173483.4 (MANE Select); coding-DNA position 922, one base duplicated (G; older notation c.922dupG).
Protein change: p.Val308fs; shifts the reading frame from valine 308.
Molecular consequence: frameshift variant.
Genome position (GRCh38, 1-based): chr19:15,540,700, G duplicated. VCF-style (leftmost placement, unchanged base first): chr19-15540699-T-TG. GRCh37 (hg19) VCF-style: chr19-15651510-T-TG.
Other names: short protein forms V308fs.
Identifiers: ClinVar variation 3764539 (VCV003764539.2).